The following is an entry in ClinVar:

ClinVar aggregate classification (germline): Likely benign (1 of 4 stars; one submission).

Submission:

CeGaT Center for Human Genetics Tuebingen
Classification: Likely benign. Last evaluated: 2024-09-01. Review status: criteria provided, single submitter. Criteria: CeGaT Center For Human Genetics Tuebingen Variant Classification Criteria Version 2. Collection method: clinical testing. Allele origin: germline. Affected: yes. Observed: 1 variant allele.
Comment: MYO3A: PM2:Supporting, BP4, BP7

NM_017433.5(MYO3A):c.3486T>C (p.Ser1162=)

Gene: MYO3A (myosin IIIA; plus strand). Cytogenetic location: 10p12.1.
Variant type: single nucleotide variant.
Coding change: c.3486T>C on transcript NM_017433.5 (MANE Select); coding-DNA position 3486, T replaced by C.
Protein change: p.Ser1162=; no amino-acid change (serine 1162 retained).
Molecular consequence: synonymous variant.
Genome position (GRCh38, 1-based): chr10:26,173,750, T>C. VCF-style: chr10-26173750-T-C. GRCh37 (hg19) VCF-style: chr10-26462679-T-C.
Identifiers: ClinVar variation 3388825 (VCV003388825.14).
Genomic context (GRCh38, chr10:26,173,750, plus strand): 5'-AAATGCAATCTCTGCTAATGAAAGATTCATTTCAGCTCCAAATAATAAAGGAAGTGTATC[T>C]GTAGTGAAGACTTCCACTTTCAAACCTGAAGAGGAAACCACCAATGCTGTGGAGAGTAAC-3'
Protein context (NP_059129.3, residues 1152-1172): ISAPNNKGSV[Ser1162=]VVKTSTFKPE